The following is an entry in ClinVar:

ClinVar aggregate classification (germline): Uncertain significance. Review status: criteria provided, multiple submitters, no conflicts (2 of 4 stars). 2 submissions from 2 submitters: Uncertain significance (2). Last evaluated 2021-04-11.

Conditions:
Familial adenomatous polyposis 1 (FAP1). Also called: POLYPOSIS, ADENOMATOUS INTESTINAL; FAMILIAL ADENOMATOUS POLYPOSIS 1, ATTENUATED. Identifiers: MedGen C2713442, MONDO:0021056, OMIM 175100. Disease mechanism: loss of function.
Hereditary cancer-predisposing syndrome. Also called: Neoplastic Syndromes, Hereditary; Tumor predisposition; Hereditary Cancer Syndrome; Hereditary neoplastic syndrome. Identifiers: Orphanet 140162, MedGen C0027672, MeSH D009386, MONDO:0015356.

Submissions (2):

Labcorp Genetics (formerly Invitae), Labcorp
Classification: Uncertain significance for Familial adenomatous polyposis 1. Last evaluated: 2021-04-11. Review status: criteria provided, single submitter. Criteria: Invitae Variant Classification Sherloc (09022015). Collection method: clinical testing. Allele origin: germline.
Comment: This variant is not present in population databases (ExAC no frequency). In summary, the available evidence is currently insufficient to determine the role of this variant in disease. Therefore, it has been classified as a Variant of Uncertain Significance. Algorithms developed to predict the effect of missense changes on protein structure and function (SIFT, PolyPhen-2, Align-GVGD) all suggest that this variant is likely to be tolerated, but these predictions have not been confirmed by published functional studies and their clinical significance is uncertain. This variant has not been reported in the literature in individuals with APC-related disease. This sequence change replaces lysine with asparagine at codon 2689 of the APC protein (p.Lys2689Asn). The lysine residue is highly conserved and there is a moderate physicochemical difference between lysine and asparagine.

Ambry Genetics
Classification: Uncertain significance for Hereditary cancer-predisposing syndrome. Last evaluated: 2021-03-25. Review status: criteria provided, single submitter. Criteria: Ambry Variant Classification Scheme 2023. Collection method: clinical testing. Allele origin: germline.
Comment: The p.K2689N variant (also known as c.8067G>C), located in coding exon 15 of the APC gene, results from a G to C substitution at nucleotide position 8067. The lysine at codon 2689 is replaced by asparagine, an amino acid with similar properties. This amino acid position is highly conserved in available vertebrate species. In addition, in silico predictors for this gene do not accurately predict pathogenicity. Since supporting evidence is limited at this time, the clinical significance of this alteration remains unclear.

NM_000038.6(APC):c.8067G>C (p.Lys2689Asn)

Gene: APC (APC regulator of Wnt signaling pathway; plus strand). Cytogenetic location: 5q22.2.
Variant type: single nucleotide variant.
Coding change: c.8067G>C on transcript NM_000038.6 (MANE Select); coding-DNA position 8067, G replaced by C.
Protein change: p.Lys2689Asn; replaces lysine 2689 with asparagine.
Molecular consequence: missense variant.
Genome position (GRCh38, 1-based): chr5:112,843,661, G>C. VCF-style: chr5-112843661-G-C. GRCh37 (hg19) VCF-style: chr5-112179358-G-C.
Other names: c.8067G>C, p.Lys2689Asn (NM_001127510.3, NM_001354895.2); c.8013G>C, p.Lys2671Asn (NM_001127511.3); c.8121G>C, p.Lys2707Asn (NM_001354896.2); c.8097G>C, p.Lys2699Asn (NM_001354897.2); c.7992G>C, p.Lys2664Asn (NM_001354898.2); c.7983G>C, p.Lys2661Asn (NM_001354899.2); c.7944G>C, p.Lys2648Asn (NM_001354900.2); c.7890G>C, p.Lys2630Asn (NM_001354901.2); and 5 more; short protein forms K2406N, K2529N, K2588N, K2648N, K2699N, K2563N, K2664N, K2671N.
Identifiers: ClinVar variation 652593 (VCV000652593.14), dbSNP rs1580689690, ClinGen allele CA16038847.